The following is an entry in ClinVar:

NM_004972.4(JAK2):c.226+5G>A

Genes: INSL6 (insulin like 6; minus strand), JAK2 (Janus kinase 2; plus strand). Cytogenetic location: 9p24.1.
Variant type: single nucleotide variant.
Coding change: c.226+5G>A on transcript NM_004972.4 (MANE Select); 5 bases into the intron after coding-DNA position 226, G replaced by A.
Molecular consequence: intron variant.
Genome position (GRCh38, 1-based): chr9:5,022,218, G>A. VCF-style: chr9-5022218-G-A. GRCh37 (hg19) VCF-style: chr9-5022218-G-A.
Other names: c.226+5G>A (NM_001322194.2, NM_001322195.2, NM_001322196.2); c.-895+5G>A (NM_001322198.2, NM_001322199.2).
Identifiers: ClinVar variation 2162718 (VCV002162718.4), dbSNP rs745497028, ClinGen allele CA4971503.

ClinVar aggregate classification (germline): Uncertain significance (1 of 4 stars; one submission).

Allele frequency attached by ClinVar (database versions not stated): gnomAD 0.00002; TOPMed 0.00002; ExAC 0.00003; gnomAD exomes 0.00004.
gnomAD v4.1: 55 of 1,606,252 alleles (0.0034%); highest among the groups gnomAD compares: Middle Eastern, 0.033%; no homozygotes.

Submission:

Labcorp Genetics (formerly Invitae), Labcorp
Classification: Uncertain significance. Last evaluated: 2025-10-27. Review status: criteria provided, single submitter. Criteria: Invitae Variant Classification Sherloc (09022015). Collection method: clinical testing. Allele origin: germline.
Comment: This sequence change falls in intron 3 of the JAK2 gene. It does not directly change the encoded amino acid sequence of the JAK2 protein. It affects a nucleotide within the consensus splice site. This variant is present in population databases (rs745497028, gnomAD 0.01%). This variant has not been reported in the literature in individuals affected with JAK2-related conditions. ClinVar contains an entry for this variant (Variation ID: 2162718). Variants that disrupt the consensus splice site are a relatively common cause of aberrant splicing (PMID: 17576681, 9536098). Algorithms developed to predict the effect of sequence changes on RNA splicing suggest that this variant is not likely to affect RNA splicing. In summary, the available evidence is currently insufficient to determine the role of this variant in disease. Therefore, it has been classified as a Variant of Uncertain Significance.

Literature cited by the submitters: PubMed 17576681; PubMed 9536098.